The following is an entry in ClinVar:

NM_000836.4(GRIN2D):c.2682_2683del (p.Tyr894_Ser895delinsTer)

Gene: GRIN2D (glutamate ionotropic receptor NMDA type subunit 2D; plus strand). Cytogenetic location: 19q13.33.
Variant type: Deletion.
Coding change: c.2682_2683del on transcript NM_000836.4 (MANE Select); coding-DNA positions 2682 to 2683, 2 bases deleted (CA; older notation c.2682_2683delCA).
Protein change: p.Tyr894_Ser895delinsTer.
Molecular consequence: nonsense.
Genome position (GRCh38, 1-based): chr19:48,442,608-48,442,609, CA deleted; deleting any 2 consecutive bases within chr19:48,442,607-48,442,609 gives the same sequence; the c. name uses the placement nearest the transcript's 3' end. VCF-style (leftmost placement, unchanged base first): chr19-48442606-TAC-T. GRCh37 (hg19) VCF-style: chr19-48945863-TAC-T.
Identifiers: ClinVar variation 1704031 (VCV001704031.3), dbSNP rs2513691635, ClinGen allele CA2580097480.

ClinVar aggregate classification (germline): Uncertain significance (1 of 4 stars; one submission).

Submission:

GeneDx
Classification: Uncertain significance. Last evaluated: 2024-08-28. Review status: criteria provided, single submitter. Criteria: GeneDx Variant Classification Process June 2021. Collection method: clinical testing. Allele origin: germline. Affected: yes.
Comment: Nonsense variant predicted to result in protein truncation as the last 443 amino acids are lost, although loss-of-function variants have not been reported downstream of this position in the protein; Not observed at significant frequency in large population cohorts (gnomAD); Has not been previously published as pathogenic or benign to our knowledge